The following is an entry in ClinVar:

ClinVar aggregate classification (germline): Uncertain significance. Review status: criteria provided, multiple submitters, no conflicts (2 of 4 stars). 2 submissions from 2 submitters: Uncertain significance (2). Last evaluated 2025-12-22.

Conditions:
Multiple endocrine neoplasia, type 2 (MEN2). Identifiers: Orphanet 653, MedGen C4048306, MONDO:0019003. Disease mechanism: gain of function.
Hereditary cancer-predisposing syndrome. Also called: Neoplastic Syndromes, Hereditary; Tumor predisposition; Hereditary neoplastic syndrome; Hereditary Cancer Syndrome. Identifiers: Orphanet 140162, MedGen C0027672, MeSH D009386, MONDO:0015356.

Submissions (2):

Labcorp Genetics (formerly Invitae), Labcorp
Classification: Uncertain significance for Multiple endocrine neoplasia, type 2. Last evaluated: 2025-12-22. Review status: criteria provided, single submitter. Criteria: Invitae Variant Classification Sherloc (09022015). Collection method: clinical testing. Allele origin: germline.
Comment: This sequence change replaces cysteine, which is neutral and slightly polar, with arginine, which is basic and polar, at codon 1043 of the RET protein (p.Cys1043Arg). This variant is not present in population databases (gnomAD no frequency). This variant has not been reported in the literature in individuals affected with RET-related conditions. ClinVar contains an entry for this variant (Variation ID: 3313694). An algorithm developed to predict the effect of missense changes on protein structure and function (PolyPhen-2) suggests that this variant is likely to be tolerated. In summary, the available evidence is currently insufficient to determine the role of this variant in disease. Therefore, it has been classified as a Variant of Uncertain Significance.

Ambry Genetics
Classification: Uncertain significance for Hereditary cancer-predisposing syndrome. Last evaluated: 2024-05-31. Review status: criteria provided, single submitter. Criteria: Ambry Variant Classification Scheme 2023. Collection method: clinical testing. Allele origin: germline.
Comment: The p.C1043R variant (also known as c.3127T>C), located in coding exon 19 of the RET gene, results from a T to C substitution at nucleotide position 3127. The cysteine at codon 1043 is replaced by arginine, an amino acid with highly dissimilar properties. This amino acid position is conserved. In addition, this alteration is predicted to be deleterious by in silico analysis. Based on the available evidence, the clinical significance of this variant remains unclear.

NM_020975.6(RET):c.3127T>C (p.Cys1043Arg)

Gene: RET (ret proto-oncogene; plus strand). Cytogenetic location: 10q11.21.
Variant type: single nucleotide variant.
Coding change: c.3127T>C on transcript NM_020975.6 (MANE Select); coding-DNA position 3127, T replaced by C.
Protein change: p.Cys1043Arg; replaces cysteine 1043 with arginine.
Molecular consequence: missense variant.
Genome position (GRCh38, 1-based): chr10:43,126,662, T>C. VCF-style: chr10-43126662-T-C. GRCh37 (hg19) VCF-style: chr10-43622110-T-C.
Other names: c.2365T>C, p.Cys789Arg (NM_001355216.2); c.3127T>C, p.Cys1043Arg (NM_001406743.1, NM_001406744.1, NM_001406759.1 and 2 more transcripts); c.2998T>C, p.Cys1000Arg (NM_001406761.1, NM_001406762.1, NM_001406764.1); c.2992T>C, p.Cys998Arg (NM_001406763.1, NM_001406765.1); c.2839T>C, p.Cys947Arg (NM_001406766.1, NM_001406767.1, NM_001406770.1); c.2863T>C, p.Cys955Arg (NM_001406768.1); c.2731T>C, p.Cys911Arg (NM_001406769.1, NM_001406772.1); c.2689T>C, p.Cys897Arg (NM_001406771.1, NM_001406773.1); and 10 more; short protein forms C704R, C713R, C911R, C1000R, C1043R, C608R, C699R, C701R.
Identifiers: ClinVar variation 3313694 (VCV003313694.2).